The following is an entry in ClinVar:

NM_019597.5(HNRNPH2):c.573del (p.Arg192fs)

Genes: HNRNPH2 (heterogeneous nuclear ribonucleoprotein H2; plus strand), RPL36A-HNRNPH2 (RPL36A-HNRNPH2 readthrough; plus strand). Cytogenetic location: Xq22.1.
Variant type: Deletion.
Coding change: c.573del on transcript NM_019597.5 (MANE Select); coding-DNA position 573, one base deleted (T; older notation c.573delT).
Protein change: p.Arg192fs; shifts the reading frame from arginine 192.
Molecular consequence: frameshift variant. On other transcripts: 3 prime UTR variant (2).
Genome position (GRCh38, 1-based): chrX:101,412,561, T deleted; the last of 2 consecutive T bases (chrX:101,412,560-101,412,561); deleting either gives the same sequence. VCF-style (leftmost placement, unchanged base first): chrX-101412559-GT-G. GRCh37 (hg19) VCF-style: chrX-100667547-GT-G.
Other names: c.573delT (NM_019597.4); c.*569del (NM_001199973.2, NM_001199974.2); c.573del, p.Arg192fs (NM_001032393.3); short protein forms R192fs.
Identifiers: ClinVar variation 451161 (VCV000451161.4), dbSNP rs1555988404, ClinGen allele CA658656868.

ClinVar aggregate classification (germline): Pathogenic (1 of 4 stars; one submission).

Submission:

GeneDx
Classification: Pathogenic. Last evaluated: 2025-05-30. Review status: criteria provided, single submitter. Criteria: GeneDx Variant Classification Process June 2021. Collection method: clinical testing. Allele origin: germline. Affected: yes.
Comment: Frameshift variant predicted to result in abnormal protein length as the last 258 amino acid(s) are replaced with 39 different amino acid(s), and other similar variants have been reported in HGMD; Not observed at significant frequency in large population cohorts (gnomAD); Has not been previously published as pathogenic or benign to our knowledge